The following is an entry in ClinVar:

NM_004525.3(LRP2):c.454T>C (p.Cys152Arg)

Gene: LRP2 (LDL receptor related protein 2; minus strand). Cytogenetic location: 2q31.1.
Variant type: single nucleotide variant.
Coding change: c.454T>C on transcript NM_004525.3 (MANE Select); coding-DNA position 454, T replaced by C.
Protein change: p.Cys152Arg; replaces cysteine 152 with arginine.
Molecular consequence: missense variant.
Genome position (GRCh38, 1-based): chr2:169,294,684, A>G on the plus strand (T>C on the coding strand, the complement: LRP2 is on the minus strand). VCF-style: chr2-169294684-A-G. GRCh37 (hg19) VCF-style: chr2-170151194-A-G.
Other names: short protein forms C152R.
Identifiers: ClinVar variation 4073699 (VCV004073699.1).

ClinVar aggregate classification (germline): Uncertain significance (1 of 4 stars; one submission).

Conditions:
Cardiac, facial, and digital anomalies with developmental delay. Identifiers: Orphanet 592570, MedGen C4748484, MONDO:0032572, OMIM 618164.

Submission:

Department of Clinical Genetics, Copenhagen University Hospital, Rigshospitalet
Classification: Uncertain significance for Cardiac, facial, and digital anomalies with developmental delay. Last evaluated: 2024-06-18. Review status: criteria provided, single submitter. Criteria: ACMG Guidelines, 2015. Collection method: clinical testing. Allele origin: germline.
Comment: PP3_M, PM2_Sup